The following is an entry in ClinVar:

ClinVar aggregate classification (germline): Uncertain significance (1 of 4 stars; one submission).

Conditions:
Nephrolithiasis/nephrocalcinosis. Identifiers: MedGen CN580796.

Submission:

Ambry Genetics
Classification: Uncertain significance for Nephrolithiasis/nephrocalcinosis. Last evaluated: 2023-06-30. Review status: criteria provided, single submitter. Criteria: Ambry Variant Classification Scheme 2023. Collection method: clinical testing. Allele origin: germline.
Comment: The p.F333S variant (also known as c.998T>C), located in coding exon 3 of the CASR gene, results from a T to C substitution at nucleotide position 998. The phenylalanine at codon 333 is replaced by serine, an amino acid with highly dissimilar properties. This amino acid position is conserved. In addition, this alteration is predicted to be deleterious by in silico analysis. Since supporting evidence is limited at this time, the clinical significance of this alteration remains unclear.

NM_000388.4(CASR):c.998T>C (p.Phe333Ser)

Gene: CASR (calcium sensing receptor; plus strand). Cytogenetic location: 3q21.1.
Variant type: single nucleotide variant.
Coding change: c.998T>C on transcript NM_000388.4 (MANE Select); coding-DNA position 998, T replaced by C.
Protein change: p.Phe333Ser; replaces phenylalanine 333 with serine.
Molecular consequence: missense variant.
Genome position (GRCh38, 1-based): chr3:122,262,033, T>C. VCF-style: chr3-122262033-T-C. GRCh37 (hg19) VCF-style: chr3-121980880-T-C.
Other names: c.998T>C, p.Phe333Ser (NM_001178065.2); short protein forms F333S.
Identifiers: ClinVar variation 3231600 (VCV003231600.1), dbSNP rs2473227595, ClinGen allele CA354152027.